The following is an entry in ClinVar:

ClinVar aggregate classification (germline): Uncertain significance. Review status: criteria provided, multiple submitters, no conflicts (2 of 4 stars). 2 submissions from 2 submitters: Uncertain significance (2). Last evaluated 2025-10-09.

Conditions:
Hereditary cancer-predisposing syndrome. Also called: Neoplastic Syndromes, Hereditary; Hereditary Cancer Syndrome; Hereditary neoplastic syndrome; Tumor predisposition. Identifiers: Orphanet 140162, MedGen C0027672, MeSH D009386, MONDO:0015356.
Neuroblastoma, susceptibility to, 3. Also called: ALK-Related Neuroblastic Tumor Susceptibility. Identifiers: Orphanet 635, MedGen C2751681, MONDO:0013083, OMIM 613014.

Allele frequency attached by ClinVar (database versions not stated): gnomAD exomes below 0.00001; ExAC 0.00001.
gnomAD v4.1: 1 of 1,614,148 alleles (0.000062%); highest among the groups gnomAD compares: Non-Finnish European, 0.000085%; no homozygotes.

Submissions (2):

Ambry Genetics
Classification: Uncertain significance for Hereditary cancer-predisposing syndrome. Last evaluated: 2025-10-09. Review status: criteria provided, single submitter. Criteria: Ambry Variant Classification Scheme 2023. Collection method: clinical testing. Allele origin: germline.
Comment: The p.S1186N variant (also known as c.3557G>A), located in coding exon 23 of the ALK gene, results from a G to A substitution at nucleotide position 3557. The serine at codon 1186 is replaced by asparagine, an amino acid with highly similar properties. This amino acid position is highly conserved in available vertebrate species. In addition, the in silico prediction for this alteration is inconclusive. Since supporting evidence is limited at this time, the clinical significance of this alteration remains unclear.

Labcorp Genetics (formerly Invitae), Labcorp
Classification: Uncertain significance for Neuroblastoma, susceptibility to, 3. Last evaluated: 2025-06-27. Review status: criteria provided, single submitter. Criteria: Invitae Variant Classification Sherloc (09022015). Collection method: clinical testing. Allele origin: germline.
Comment: This sequence change replaces serine, which is neutral and polar, with asparagine, which is neutral and polar, at codon 1186 of the ALK protein (p.Ser1186Asn). This variant is present in population databases (rs755576991, gnomAD 0.0009%). This variant has not been reported in the literature in individuals affected with ALK-related conditions. ClinVar contains an entry for this variant (Variation ID: 823924). An algorithm developed to predict the effect of missense changes on protein structure and function (PolyPhen-2) suggests that this variant is likely to be disruptive. In summary, the available evidence is currently insufficient to determine the role of this variant in disease. Therefore, it has been classified as a Variant of Uncertain Significance.

NM_004304.5(ALK):c.3557G>A (p.Ser1186Asn)

Gene: ALK (ALK receptor tyrosine kinase; minus strand). Cytogenetic location: 2p23.2.
Variant type: single nucleotide variant.
Coding change: c.3557G>A on transcript NM_004304.5 (MANE Select); coding-DNA position 3557, G replaced by A.
Protein change: p.Ser1186Asn; replaces serine 1186 with asparagine.
Molecular consequence: missense variant.
Genome position (GRCh38, 1-based): chr2:29,220,794, C>T on the plus strand (G>A on the coding strand, the complement: ALK is on the minus strand). VCF-style: chr2-29220794-C-T. GRCh37 (hg19) VCF-style: chr2-29443660-C-T.
Other names: c.353G>A, p.Ser118Asn (NM_001353765.2); short protein forms S1186N, S118N.
Identifiers: ClinVar variation 823924 (VCV000823924.15), dbSNP rs755576991, ClinGen allele CA1593862.